The following is an entry in ClinVar:

ClinVar aggregate classification (germline): Uncertain significance (1 of 4 stars; one submission).

gnomAD v4.1: 24 of 1,614,052 alleles (0.0015%); highest among the groups gnomAD compares: African/African-American, 0.028%; no homozygotes.

Submission:

Dasa
Classification: Uncertain significance. Last evaluated: 2025-04-23. Review status: criteria provided, single submitter. Criteria: DASA Assertion Criteria. Collection method: clinical testing. Allele origin: germline.
Comment: NM_001879.6(MASP1):c.1634A>G (p.Asp545Gly) is a missense variant that results in the substitution of aspartic acid with glycine. This variant is rare in population databases. Computational prediction algorithms are consistent with a benign effect. The currently available literature and clinical evidence are not sufficient to establish a definitive association between this variant and the reported condition. Therefore, this variant is classified as a variant of uncertain significance.

NM_001879.6(MASP1):c.1634A>G (p.Asp545Gly)

Gene: MASP1 (MBL associated serine protease 1; minus strand). Cytogenetic location: 3q27.3.
Variant type: single nucleotide variant.
Coding change: c.1634A>G on transcript NM_001879.6 (MANE Plus Clinical); coding-DNA position 1634, A replaced by G.
Protein change: p.Asp545Gly; replaces aspartic acid 545 with glycine.
Molecular consequence: missense variant.
Genome position (GRCh38, 1-based): chr3:187,225,431, T>C on the plus strand (A>G on the coding strand, the complement: MASP1 is on the minus strand). VCF-style: chr3-187225431-T-C. GRCh37 (hg19) VCF-style: chr3-186943219-T-C.
Other names: short protein forms D545G.
Identifiers: ClinVar variation 4885449 (VCV004885449.2).